The following is an entry in ClinVar:

ClinVar aggregate classification (germline): Uncertain significance. Review status: criteria provided, multiple submitters, no conflicts (2 of 4 stars). 2 submissions from 2 submitters: Uncertain significance (2). Last evaluated 2024-05-23.

Conditions:
Choroideremia. Also called: Chorioretinal scalloped atrophy. Identifiers: Orphanet 180, MedGen C0008525, MONDO:0010557, OMIM 303100, HP:0001139.

Allele frequency attached by ClinVar (database versions not stated): gnomAD exomes below 0.00001; TOPMed 0.00001.
gnomAD v4.1: 3 of 1,207,766 alleles (0.00025%); highest among the groups gnomAD compares: East Asian, 0.0089%; no homozygotes.

Submissions (2):

Labcorp Genetics (formerly Invitae), Labcorp
Classification: Uncertain significance. Last evaluated: 2024-05-23. Review status: criteria provided, single submitter. Criteria: Invitae Variant Classification Sherloc (09022015). Collection method: clinical testing. Allele origin: germline.
Comment: This sequence change disrupts the translational stop signal of the CHM mRNA. It is expected to extend the length of the CHM protein by 14 additional amino acid residues. This variant is not present in population databases (gnomAD no frequency). This protein extension has been observed in individual(s) with suspected inherited retinal dystrophy (PMID: 31054281, 32487042). ClinVar contains an entry for this variant (Variation ID: 1698965). In summary, the available evidence is currently insufficient to determine the role of this variant in disease. Therefore, it has been classified as a Variant of Uncertain Significance.

Victorian Clinical Genetics Services, Murdoch Childrens Research Institute
Classification: Uncertain significance for Choroideremia. Last evaluated: 2022-02-02. Review status: criteria provided, single submitter. Criteria: ACMG Guidelines, 2015. Collection method: clinical testing. Allele origin: germline. Inheritance: X-linked inheritance.
Comment: Based on the classification scheme VCGS_Germline_v1.3.4, this variant is classified as VUS-3A. The following criteria are met: 0102 - Loss of function is a known mechanism of disease in this gene and is associated with choroideremia (MIM#303100). (I) 0109 - This gene is associated with X-linked disease. Males are predominantly affected, while females are usually unaffected some may display symptoms similar to affected males due to random X-inactivation (PMID: 29555028). (I) 0208 - Variant is predicted to result in an elongated protein. (SP) 0251 - This variant is heterozygous. (I) 0301 - Variant is absent from gnomAD (both v2 and v3). (SP) 0705 - No comparable stoploss variants have previous evidence for pathogenicity. (I) 0803 - This variant has limited previous evidence of pathogenicity in one individual. (SP) 0905 - No published segregation evidence has been identified for this variant. (I) 1007 - No published functional evidence has been identified for this variant. (I) Legend: (SP) - Supporting pathogenic, (I) - Information, (SB) - Supporting benign

Literature cited by the submitters: PubMed 31054281 (cited by Labcorp Genetics (formerly Invitae), Labcorp); PubMed 32487042 (cited by Labcorp Genetics (formerly Invitae), Labcorp and Victorian Clinical Genetics Services, Murdoch Childrens Research Institute); PubMed 29555028 (cited by Victorian Clinical Genetics Services, Murdoch Childrens Research Institute).

NM_000390.4(CHM):c.1960T>C (p.Ter654Gln)

Gene: CHM (CHM Rab escort protein; minus strand). Cytogenetic location: Xq21.2.
Variant type: single nucleotide variant.
Coding change: c.1960T>C on transcript NM_000390.4 (MANE Select); coding-DNA position 1960, T replaced by C.
Protein change: p.Ter654Gln.
Molecular consequence: stop lost.
Genome position (GRCh38, 1-based): chrX:85,864,632, A>G on the plus strand (T>C on the coding strand, the complement: CHM is on the minus strand). VCF-style: chrX-85864632-A-G. GRCh37 (hg19) VCF-style: chrX-85119637-A-G.
Other names: c.1516T>C, p.Ter506Gln (NM_001320959.1, NM_001362517.1, NM_001362518.2 and 1 more transcripts).
Identifiers: ClinVar variation 1698965 (VCV001698965.8), dbSNP rs1168750683, ClinGen allele CA413784677.